The following is an entry in ClinVar:

ClinVar aggregate classification (germline): Uncertain significance. Review status: criteria provided, multiple submitters, no conflicts (2 of 4 stars). 3 submissions from 3 submitters: Uncertain significance (3). Last evaluated 2025-10-27.

Conditions:
Wilson disease (WND). Also called: Wilson's disease. Identifiers: Orphanet 905, MedGen C0019202, MONDO:0010200, OMIM 277900. Disease mechanism: loss of function.

Allele frequency attached by ClinVar (database versions not stated): gnomAD exomes below 0.00001; gnomAD 0.00001.
gnomAD v4.1: 3 of 1,614,080 alleles (0.00019%); highest among the groups gnomAD compares: South Asian, 0.0033%; no homozygotes.

Submissions (3):

Labcorp Genetics (formerly Invitae), Labcorp
Classification: Uncertain significance for Wilson disease. Last evaluated: 2025-10-27. Review status: criteria provided, single submitter. Criteria: Invitae Variant Classification Sherloc (09022015). Collection method: clinical testing. Allele origin: germline.
Comment: This sequence change replaces serine, which is neutral and polar, with phenylalanine, which is neutral and non-polar, at codon 1162 of the ATP7B protein (p.Ser1162Phe). This variant is present in population databases (no rsID available, gnomAD 0.003%). This variant has not been reported in the literature in individuals affected with ATP7B-related conditions. ClinVar contains an entry for this variant (Variation ID: 2031842). Invitae Evidence Modeling of protein sequence and biophysical properties (such as structural, functional, and spatial information, amino acid conservation, physicochemical variation, residue mobility, and thermodynamic stability) indicates that this missense variant is not expected to disrupt ATP7B protein function with a negative predictive value of 80%. In summary, the available evidence is currently insufficient to determine the role of this variant in disease. Therefore, it has been classified as a Variant of Uncertain Significance.

Mayo Clinic Laboratories, Mayo Clinic
Classification: Uncertain significance. Last evaluated: 2025-06-20. Review status: criteria provided, single submitter. Criteria: ACMG Guidelines, 2015. Collection method: clinical testing. Allele origin: germline. Observed: 1 variant allele.
Comment: PM2_supporting

All of Us Research Program, National Institutes of Health
Classification: Uncertain significance for Wilson disease. Last evaluated: 2024-04-10. Review status: criteria provided, single submitter. Criteria: ACMG Guidelines, 2015. Collection method: clinical testing. Allele origin: germline. Inheritance: Autosomal recessive inheritance. Observed: 2 variant alleles, 2 heterozygotes.
Comment: This missense variant replaces serine with phenylalanine at codon 1162 of the ATP7B protein. Computational prediction is inconclusive regarding the impact of this variant on protein structure and function. To our knowledge, functional studies have not been reported for this variant. This variant has not been reported in individuals affected with ATP7B-related disorders in the literature. This variant has been identified in 1/249588 chromosomes in the general population by the Genome Aggregation Database (gnomAD). The available evidence is insufficient to determine the role of this variant in disease conclusively. Therefore, this variant is classified as a Variant of Uncertain Significance.

This study involves interpretation of variants in research participants for the purpose of population health screening. Participant phenotype was not available at the time of variant classification. Additional details can be found in publication PMID: 35346344, PMCID: PMC8962531

Literature cited by the submitters: PubMed 35287262 (cited by Mayo Clinic Laboratories, Mayo Clinic).

NM_000053.4(ATP7B):c.3485C>T (p.Ser1162Phe)

Gene: ATP7B (ATPase copper transporting beta; minus strand). Cytogenetic location: 13q14.3.
Variant type: single nucleotide variant.
Coding change: c.3485C>T on transcript NM_000053.4 (MANE Select); coding-DNA position 3485, C replaced by T.
Protein change: p.Ser1162Phe; replaces serine 1162 with phenylalanine.
Molecular consequence: missense variant.
Genome position (GRCh38, 1-based): chr13:51,941,152, G>A on the plus strand (C>T on the coding strand, the complement: ATP7B is on the minus strand). VCF-style: chr13-51941152-G-A. GRCh37 (hg19) VCF-style: chr13-52515288-G-A.
Other names: p.Ser1162Phe; c.2864C>T, p.Ser955Phe (NM_001005918.3); c.3152C>T, p.Ser1051Phe (NM_001243182.2); c.3251C>T, p.Ser1084Phe (NM_001330578.2, NM_001406527.1, NM_001406528.1); c.3233C>T, p.Ser1078Phe (NM_001330579.2, NM_001406531.1, NM_001406532.1); c.3290C>T, p.Ser1097Phe (NM_001406525.1); c.3485C>T, p.Ser1162Phe (NM_001406526.1, NM_001406511.1, NM_001406512.1); c.3245C>T, p.Ser1082Phe (NM_001406530.1); and 19 more; short protein forms S1000F, S1052F, S1084F, S1101F, S1103F, S1117F, S1160F, S1162F.
Identifiers: ClinVar variation 2031842 (VCV002031842.4), dbSNP rs1474886709, ClinGen allele CA388026415.
Genomic context (GRCh38, chr13:51,941,152, plus strand): 5'-ACCAGGATGGCTGTCTGTCCTTTCATCTCGTGGTCTGTCATAGCGTCACTGACATCGCTA[G>A]AAATGGTTAAACCGTTGCGCCTCAGCCACTCACGGTTTCCAATCAGCACAGAGAAGGTCT-3'
Protein context (NP_000044.2, residues 1152-1172): EWLRRNGLTI[Ser1162Phe]SDVSDAMTDH